The following is an entry in ClinVar:

ClinVar aggregate classification (germline): Pathogenic. Review status: criteria provided, single submitter (1 of 4 stars). 3 submissions from 3 submitters: Pathogenic (1). 2 of the submissions do not count toward it. Last evaluated 2023-02-03.

Conditions:
Deafness. Identifiers: MedGen C0011053.
Hearing loss, autosomal recessive. Also called: Deafness, autosomal recessive; Autosomal recessive nonsyndromic deafness; Rare autosomal recessive non-syndromic sensorineural deafness type DFNB; Nonsyndromic Hearing Loss, Recessive. Identifiers: Orphanet 90635, Orphanet 90636, MedGen C1846647, MONDO:0019588, OMIM 607197.

Submissions (3):

Labcorp Genetics (formerly Invitae), Labcorp
Classification: Pathogenic. Last evaluated: 2023-02-03. Review status: criteria provided, single submitter. Criteria: Invitae Variant Classification Sherloc (09022015). Collection method: clinical testing. Allele origin: germline.
Comment: Algorithms developed to predict the effect of sequence changes on RNA splicing suggest that this variant may disrupt the consensus splice site. For these reasons, this variant has been classified as Pathogenic. ClinVar contains an entry for this variant (Variation ID: 560913). Disruption of this splice site has been observed in individual(s) with autosomal recessive deafness (PMID: 30303587, 31379920). In at least one individual the data is consistent with being in trans (on the opposite chromosome) from a pathogenic variant. It has also been observed to segregate with disease in related individuals. This variant is not present in population databases (gnomAD no frequency). This sequence change affects a donor splice site in intron 15 of the TMC1 gene. It is expected to disrupt RNA splicing. Variants that disrupt the donor or acceptor splice site typically lead to a loss of protein function (PMID: 16199547), and loss-of-function variants in TMC1 are known to be pathogenic (PMID: 11850618, 22105175).

Center for Statistical Genetics, Columbia University
Classification: Pathogenic for Deafness. Last evaluated: 2018-09-10. Review status: no assertion criteria provided. Collection method: research. Allele origin: inherited. Affected: yes. Not counted in ClinVar's aggregate classification.
Comment: Autosomal recessive

University of Washington Center for Mendelian Genomics, University of Washington
Classification: Likely pathogenic for non-syndromic autosomal recessive hearing loss. Review status: no assertion criteria provided. Collection method: research. Allele origin: inherited. Affected: yes. Not counted in ClinVar's aggregate classification.

Literature cited by the submitters: PubMed 30303587 (cited by Labcorp Genetics (formerly Invitae), Labcorp and University of Washington Center for Mendelian Genomics, University of Washington); PubMed 31379920 (cited by Labcorp Genetics (formerly Invitae), Labcorp); PubMed 16199547 (cited by Labcorp Genetics (formerly Invitae), Labcorp); PubMed 11850618 (cited by Labcorp Genetics (formerly Invitae), Labcorp); PubMed 22105175 (cited by Labcorp Genetics (formerly Invitae), Labcorp).

NM_138691.3(TMC1):c.1224+2T>C

Gene: TMC1 (transmembrane channel like 1; plus strand). Cytogenetic location: 9q21.13.
Variant type: single nucleotide variant.
Coding change: c.1224+2T>C on transcript NM_138691.3 (MANE Select); the canonical splice donor site of the intron after coding-DNA position 1224, T replaced by C.
Molecular consequence: splice donor variant.
Genome position (GRCh38, 1-based): chr9:72,789,319, T>C. VCF-style: chr9-72789319-T-C. GRCh37 (hg19) VCF-style: chr9-75404235-T-C.
Identifiers: ClinVar variation 560913 (VCV000560913.5), dbSNP rs1564555240, ClinGen allele CA373505176.
Genomic context (GRCh38, chr9:72,789,319, plus strand): 5'-GATCCCAGGAATTTGCACAGCAAGATCCTGACACCCTTGGGTGGTGGGAAAAAAATGAAG[T>C]TCGTCTCTGCATGCTTTTTATGTGCTTAGAACCTGACATTTGTTTCTTTTGTGGGTTATG-3'